The following is an entry in ClinVar:

ClinVar aggregate classification (germline): Uncertain significance. Review status: criteria provided, multiple submitters, no conflicts (2 of 4 stars). 2 submissions from 2 submitters: Uncertain significance (2). Last evaluated 2023-12-11.

Conditions:
Congenital disorder of glycosylation type 1E (CDG1E). Also called: CONGENITAL DISORDER OF GLYCOSYLATION, TYPE Ie; CDG Ie. Identifiers: Orphanet 79322, MedGen C1837396, MONDO:0012123, OMIM 608799.

Allele frequency attached by ClinVar (database versions not stated): ExAC 0.00001; gnomAD exomes 0.00001; TOPMed 0.00002; gnomAD 0.00003 and 0.00004; ESP Exome Variant Server 0.00008.
gnomAD v4.1: 164 of 1,613,844 alleles (0.01%); highest among the groups gnomAD compares: Non-Finnish European, 0.014%; no homozygotes.

Submissions (2):

Labcorp Genetics (formerly Invitae), Labcorp
Classification: Uncertain significance for Congenital disorder of glycosylation type 1E. Last evaluated: 2023-12-11. Review status: criteria provided, single submitter. Criteria: Invitae Variant Classification Sherloc (09022015). Collection method: clinical testing. Allele origin: germline.
Comment: This sequence change replaces glycine, which is neutral and non-polar, with aspartic acid, which is acidic and polar, at codon 138 of the DPM1 protein (p.Gly138Asp). This variant is present in population databases (rs373944766, gnomAD 0.004%). This variant has not been reported in the literature in individuals affected with DPM1-related conditions. ClinVar contains an entry for this variant (Variation ID: 575891). An algorithm developed to predict the effect of missense changes on protein structure and function (PolyPhen-2) suggests that this variant¬†is likely to be tolerated. In summary, the available evidence is currently insufficient to determine the role of this variant in disease. Therefore, it has been classified as a Variant of Uncertain Significance.

Illumina Laboratory Services, Illumina
Classification: Uncertain significance for Congenital disorder of glycosylation type 1E. Last evaluated: 2018-01-13. Review status: criteria provided, single submitter. Criteria: ICSL Variant Classification Criteria 13 December 2019. Collection method: clinical testing. Allele origin: germline.

NM_003859.3(DPM1):c.413G>A (p.Gly138Asp)

Genes: ADNP-AS1 (ADNP antisense RNA 1; plus strand), DPM1 (dolichyl-phosphate mannosyltransferase subunit 1, catalytic; minus strand). Cytogenetic location: 20q13.13.
Variant type: single nucleotide variant.
Coding change: c.413G>A on transcript NM_003859.3 (MANE Select); coding-DNA position 413, G replaced by A.
Protein change: p.Gly138Asp; replaces glycine 138 with aspartic acid.
Molecular consequence: missense variant. On other transcripts: non-coding transcript variant (1).
Genome position (GRCh38, 1-based): chr20:50,942,112, C>T on the plus strand (G>A on the coding strand, the complement: DPM1 is on the minus strand). VCF-style: chr20-50942112-C-T. GRCh37 (hg19) VCF-style: chr20-49558649-C-T.
Other names: c.413G>A, p.Gly138Asp (NM_001317034.1, NM_001317035.1, NM_001317036.1); short protein forms G138D.
Identifiers: ClinVar variation 575891 (VCV000575891.11), dbSNP rs373944766, ClinGen allele CA9909106.
Genomic context (GRCh38, chr20:50,942,112, plus strand): 5'-TCCCAGCCATATACACCTCCATTTCCTTTGTAGCGAGTTCCAGAGACAATATCAAAATTA[C>T]CCTCCTTTTGCTTCCTGTAGAATAAATTAGCTGTCAATTAGAAAAAGCCACTGAGCTTTC-3'
Protein context (NP_003850.1, residues 128-148): IPEFIRKQKE[Gly138Asp]NFDIVSGTRY